The following is an entry in ClinVar:

ClinVar aggregate classification (germline): Uncertain significance (1 of 4 stars; one submission).

Conditions:
Brugada syndrome. Also called: Sudden unexpected nocturnal death syndrome; Sudden Unexplained Death Syndrome; Sudden Unexplained Nocturnal Death Syndrome (SUNDS); Sudden unexplained nocturnal death syndrome. Identifiers: Orphanet 130, MedGen C1142166, MONDO:0015263.

Allele frequency attached by ClinVar (database versions not stated): gnomAD 0.00001.
gnomAD v4.1: 3 of 1,614,026 alleles (0.00019%); highest among the groups gnomAD compares: African/African-American, 0.0013%; no homozygotes.

Submission:

Labcorp Genetics (formerly Invitae), Labcorp
Classification: Uncertain significance for Brugada syndrome. Last evaluated: 2020-06-21. Review status: criteria provided, single submitter. Criteria: Invitae Variant Classification Sherloc (09022015). Collection method: clinical testing. Allele origin: germline.
Comment: In summary, the available evidence is currently insufficient to determine the role of this variant in disease. Therefore, it has been classified as a Variant of Uncertain Significance. Algorithms developed to predict the effect of missense changes on protein structure and function output the following: SIFT: "Tolerated"; PolyPhen-2: "Benign"; Align-GVGD: "Class C0". The lysine amino acid residue is found in multiple mammalian species, suggesting that this missense change does not adversely affect protein function. These predictions have not been confirmed by published functional studies and their clinical significance is uncertain. This variant has not been reported in the literature in individuals with SCN10A-related conditions. This variant is not present in population databases (ExAC no frequency). This sequence change replaces arginine with lysine at codon 1689 of the SCN10A protein (p.Arg1689Lys). The arginine residue is weakly conserved and there is a small physicochemical difference between arginine and lysine.

NM_006514.4(SCN10A):c.5066G>A (p.Arg1689Lys)

Gene: SCN10A (sodium voltage-gated channel alpha subunit 10; minus strand). Cytogenetic location: 3p22.2.
Variant type: single nucleotide variant.
Coding change: c.5066G>A on transcript NM_006514.4 (MANE Select); coding-DNA position 5066, G replaced by A.
Protein change: p.Arg1689Lys; replaces arginine 1689 with lysine.
Molecular consequence: missense variant.
Genome position (GRCh38, 1-based): chr3:38,698,154, C>T on the plus strand (G>A on the coding strand, the complement: SCN10A is on the minus strand). VCF-style: chr3-38698154-C-T. GRCh37 (hg19) VCF-style: chr3-38739645-C-T.
Other names: c.5063G>A, p.Arg1688Lys (NM_001293306.2); c.4772G>A, p.Arg1591Lys (NM_001293307.2); short protein forms R1591K, R1688K, R1689K.
Identifiers: ClinVar variation 1052709 (VCV001052709.5), dbSNP rs2063115980, ClinGen allele CA352154706.